The following is an entry in ClinVar:

ClinVar aggregate classification (germline): Likely benign. Review status: criteria provided, multiple submitters, no conflicts (2 of 4 stars). 4 submissions from 4 submitters: Likely benign (4). Last evaluated 2025-10-21.

Conditions:
FLVCR1-related disorder. Also called: FLVCR1-related condition.

Allele frequency attached by ClinVar (database versions not stated): gnomAD exomes 0.00002 and 0.00009; ESP Exome Variant Server 0.00008; ExAC 0.00010; gnomAD 0.00017 and 0.00019; 1000 Genomes Project 0.00020; TOPMed 0.00030; 1000 Genomes Project 30x 0.00031.
gnomAD v4.1: 65 of 1,613,932 alleles (0.004%); highest among the groups gnomAD compares: African/African-American, 0.067%; no homozygotes.

Submissions (4):

Labcorp Genetics (formerly Invitae), Labcorp
Classification: Likely benign. Last evaluated: 2025-10-21. Review status: criteria provided, single submitter. Criteria: Invitae Variant Classification Sherloc (09022015). Collection method: clinical testing. Allele origin: germline.

PreventionGenetics, part of Exact Sciences
Classification: Likely benign for FLVCR1-related condition. Last evaluated: 2025-04-15. Review status: criteria provided, single submitter. Criteria: ACMG Guidelines, 2015. Collection method: clinical testing. Allele origin: germline.
Comment: This variant is classified as likely benign based on ACMG/AMP sequence variant interpretation guidelines (Richards et al. 2015 PMID: 25741868, with internal and published modifications).

Blueprint Genetics
Classification: Likely benign. Last evaluated: 2022-09-07. Review status: criteria provided, single submitter. Criteria: ACMG Guidelines, 2015. Collection method: clinical testing. Allele origin: germline.

Athena Diagnostics
Classification: Likely benign. Last evaluated: 2020-08-26. Review status: criteria provided, single submitter. Criteria: Athena Diagnostics criteria. Collection method: clinical testing. Allele origin: unknown.

NM_014053.4(FLVCR1):c.663C>T (p.Pro221=)

Gene: FLVCR1 (FLVCR choline and heme transporter 1; plus strand). Cytogenetic location: 1q32.3.
Variant type: single nucleotide variant.
Coding change: c.663C>T on transcript NM_014053.4 (MANE Select); coding-DNA position 663, C replaced by T.
Protein change: p.Pro221=; no amino-acid change (proline 221 retained).
Molecular consequence: synonymous variant.
Genome position (GRCh38, 1-based): chr1:212,859,115, C>T. VCF-style: chr1-212859115-C-T. GRCh37 (hg19) VCF-style: chr1-213032457-C-T.
Other names: c.663C>T (NM_014053.3).
Identifiers: ClinVar variation 994879 (VCV000994879.13), dbSNP rs140209609, ClinGen allele CA1385925.